The following is an entry in ClinVar:

ClinVar aggregate classification (germline): Uncertain significance (1 of 4 stars; one submission).

Allele frequency attached by ClinVar (database versions not stated): TOPMed below 0.00001; gnomAD 0.00001; gnomAD exomes 0.00001.
gnomAD v4.1: 13 of 1,610,878 alleles (0.00081%); highest among the groups gnomAD compares: Non-Finnish European, 0.0011%; no homozygotes.

Submission:

Labcorp Genetics (formerly Invitae), Labcorp
Classification: Uncertain significance. Last evaluated: 2022-02-27. Review status: criteria provided, single submitter. Criteria: Invitae Variant Classification Sherloc (09022015). Collection method: clinical testing. Allele origin: germline.
Comment: This sequence change replaces isoleucine, which is neutral and non-polar, with valine, which is neutral and non-polar, at codon 305 of the RHOBTB2 protein (p.Ile305Val). In summary, the available evidence is currently insufficient to determine the role of this variant in disease. Therefore, it has been classified as a Variant of Uncertain Significance. Algorithms developed to predict the effect of sequence changes on RNA splicing suggest that this variant may create or strengthen a splice site. Algorithms developed to predict the effect of missense changes on protein structure and function (SIFT, PolyPhen-2, Align-GVGD) all suggest that this variant is likely to be tolerated. This variant has not been reported in the literature in individuals affected with RHOBTB2-related conditions. This variant is not present in population databases (gnomAD no frequency).

NM_015178.3(RHOBTB2):c.847A>G (p.Ile283Val)

Gene: RHOBTB2 (Rho related BTB domain containing 2; plus strand). Cytogenetic location: 8p21.3.
Variant type: single nucleotide variant.
Coding change: c.847A>G on transcript NM_015178.3 (MANE Select); coding-DNA position 847, A replaced by G.
Protein change: p.Ile283Val; replaces isoleucine 283 with valine.
Molecular consequence: missense variant.
Genome position (GRCh38, 1-based): chr8:23,007,092, A>G. VCF-style: chr8-23007092-A-G. GRCh37 (hg19) VCF-style: chr8-22864605-A-G.
Other names: c.913A>G, p.Ile305Val (NM_001160036.2); c.868A>G, p.Ile290Val (NM_001160037.2); c.847A>G, p.Ile283Val (NM_001374791.1); short protein forms I283V, I290V, I305V.
Identifiers: ClinVar variation 1465706 (VCV001465706.6), dbSNP rs1810982419, ClinGen allele CA370566082.